The following is an entry in ClinVar:

NM_207346.3(TSEN54):c.285+32C>A

Gene: TSEN54 (tRNA splicing endonuclease subunit 54; plus strand). Cytogenetic location: 17q25.1.
Variant type: single nucleotide variant.
Coding change: c.285+32C>A on transcript NM_207346.3 (MANE Select); 32 bases into the intron after coding-DNA position 285, C replaced by A.
Molecular consequence: intron variant.
Genome position (GRCh38, 1-based): chr17:75,517,104, C>A. VCF-style: chr17-75517104-C-A. GRCh37 (hg19) VCF-style: chr17-73513185-C-A.
Identifiers: ClinVar variation 160133 (VCV000160133.15), dbSNP rs7218675, ClinGen allele CA173727.

ClinVar aggregate classification (germline): Benign. Review status: criteria provided, multiple submitters, no conflicts (2 of 4 stars). 9 submissions from 7 submitters: Benign (6). 3 of the submissions do not count toward it. Last evaluated 2021-09-10.

Conditions:
Pontocerebellar hypoplasia type 4 (PCH4). Also called: Pontocerebellar Hypoplasia Type 4 (PCH4). Identifiers: Orphanet 166063, MedGen C1856974, MONDO:0009166, OMIM 225753.
Pontocerebellar hypoplasia type 2A (PCH2A). Also called: PONTOCEREBELLAR HYPOPLASIA WITH PROGRESSIVE CEREBRAL ATROPHY; VOLENDAM NEURODEGENERATIVE DISEASE. Identifiers: Orphanet 2524, MedGen C1848526, MONDO:0010190, OMIM 277470.
Pontocerebellar hypoplasia type 5 (PCH5). Also called: Pontocerebellar Hypoplasia Type 5 (PCH5). Identifiers: Orphanet 166068, MedGen C1857762, MONDO:0012438, OMIM 610204.

Allele frequency attached by ClinVar (database versions not stated): ExAC 0.70737; gnomAD exomes 0.72297 and 0.60086; 1000 Genomes Project 0.45527; TOPMed 0.48583; gnomAD 0.64534 and 0.64612.
gnomAD v4.1: 1,032,177 of 1,443,256 alleles (72%); highest among the groups gnomAD compares: Non-Finnish European, 75%; 351,199 homozygotes.

Submissions (9):

Genome-Nilou Lab
Classification: Benign for Pontocerebellar hypoplasia type 2A. Last evaluated: 2021-09-10. Review status: criteria provided, single submitter. Criteria: ACMG Guidelines, 2015. Collection method: clinical testing. Allele origin: germline. Affected: no.

Genome-Nilou Lab
Classification: Benign for Pontocerebellar hypoplasia type 4. Last evaluated: 2021-09-10. Review status: criteria provided, single submitter. Criteria: ACMG Guidelines, 2015. Collection method: clinical testing. Allele origin: germline. Affected: no.

Genome-Nilou Lab
Classification: Benign for Pontocerebellar hypoplasia type 5. Last evaluated: 2021-09-10. Review status: criteria provided, single submitter. Criteria: ACMG Guidelines, 2015. Collection method: clinical testing. Allele origin: germline. Affected: no.

GeneDx
Classification: Benign. Last evaluated: 2018-06-26. Review status: criteria provided, single submitter. Criteria: GeneDx Variant Classification Process June 2021. Collection method: clinical testing. Allele origin: germline. Affected: yes.

Breakthrough Genomics
Classification: Benign. Review status: criteria provided, single submitter. Criteria: ACMG Guidelines, 2015. Collection method: not provided. Allele origin: germline. Inheritance: Autosomal recessive inheritance. Affected: yes.

PreventionGenetics, part of Exact Sciences
Classification: Benign. Review status: criteria provided, single submitter. Criteria: ACMG Guidelines, 2015. Collection method: clinical testing. Allele origin: germline.

Clinical Genetics DNA and cytogenetics Diagnostics Lab, Erasmus MC, Erasmus Medical Center
Classification: Benign. Review status: no assertion criteria provided. Collection method: clinical testing. Allele origin: germline. Affected: yes. Study: VKGL Data-share Consensus. Not counted in ClinVar's aggregate classification.

Diagnostic Laboratory, Department of Genetics, University Medical Center Groningen
Classification: Benign. Review status: no assertion criteria provided. Collection method: clinical testing. Allele origin: germline. Affected: yes. Study: VKGL Data-share Consensus. Not counted in ClinVar's aggregate classification.

Genetic Services Laboratory, University of Chicago
Classification: Likely benign. Review status: no assertion criteria provided. Collection method: clinical testing. Allele origin: germline. Inheritance: Autosomal recessive inheritance. Not counted in ClinVar's aggregate classification.
Comment: Likely benign based on allele frequency in 1000 Genomes Project or ESP global frequency and its presence in a patient with a rare or unrelated disease phenotype. NOT Sanger confirmed